The following is an entry in ClinVar:

NM_000264.5(PTCH1):c.3904C>A (p.Pro1302Thr)

Gene: PTCH1 (patched 1; minus strand). Cytogenetic location: 9q22.32.
Variant type: single nucleotide variant.
Coding change: c.3904C>A on transcript NM_000264.5 (MANE Select); coding-DNA position 3904, C replaced by A.
Protein change: p.Pro1302Thr; replaces proline 1302 with threonine.
Molecular consequence: missense variant. On other transcripts: non-coding transcript variant (1).
Genome position (GRCh38, 1-based): chr9:95,447,352, G>T on the plus strand (C>A on the coding strand, the complement: PTCH1 is on the minus strand). VCF-style: chr9-95447352-G-T. GRCh37 (hg19) VCF-style: chr9-98209634-G-T.
Other names: c.3706C>A, p.Pro1236Thr (NM_001083602.3); c.3901C>A, p.Pro1301Thr (NM_001083603.3); c.3451C>A, p.Pro1151Thr (NM_001083604.3, NM_001083605.3, NM_001083606.3 and 1 more transcripts); c.3748C>A, p.Pro1250Thr (NM_001354918.2); short protein forms P1151T, P1302T, P1236T, P1301T, P1250T.
Identifiers: ClinVar variation 3939983 (VCV003939983.1).

ClinVar aggregate classification (germline): Uncertain significance (1 of 4 stars; one submission).

Conditions:
Hereditary cancer-predisposing syndrome. Also called: Tumor predisposition; Hereditary neoplastic syndrome; Hereditary Cancer Syndrome; Neoplastic Syndromes, Hereditary. Identifiers: Orphanet 140162, MedGen C0027672, MeSH D009386, MONDO:0015356.

Submission:

Ambry Genetics
Classification: Uncertain significance for Hereditary cancer-predisposing syndrome. Last evaluated: 2025-05-26. Review status: criteria provided, single submitter. Criteria: Ambry Variant Classification Scheme 2023. Collection method: clinical testing. Allele origin: germline.
Comment: The p.P1302T variant (also known as c.3904C>A), located in coding exon 23 of the PTCH1 gene, results from a C to A substitution at nucleotide position 3904. The proline at codon 1302 is replaced by threonine, an amino acid with highly similar properties. This amino acid position is conserved. In addition, this alteration is predicted to be tolerated by in silico analysis. Based on the available evidence, the clinical significance of this variant remains unclear.